The following is an entry in ClinVar:

ClinVar aggregate classification (germline): Pathogenic (1 of 4 stars; one submission).

Conditions:
Duchenne muscular dystrophy (DMD). Also called: MUSCULAR DYSTROPHY, PSEUDOHYPERTROPHIC PROGRESSIVE, DUCHENNE TYPE; Duchenne Muscular Dystrophy (DMD). Identifiers: Orphanet 98896, MedGen C0013264, MONDO:0010679, OMIM 310200.

Submission:

Labcorp Genetics (formerly Invitae), Labcorp
Classification: Pathogenic for Duchenne muscular dystrophy. Last evaluated: 2024-09-23. Review status: criteria provided, single submitter. Criteria: Invitae Variant Classification Sherloc (09022015). Collection method: clinical testing. Allele origin: germline.
Comment: This sequence change creates a premature translational stop signal (p.Val1634Glyfs*19) in the DMD gene. It is expected to result in an absent or disrupted protein product. Loss-of-function variants in DMD are known to be pathogenic (PMID: 16770791, 25007885). This variant is not present in population databases (gnomAD no frequency). This variant has not been reported in the literature in individuals affected with DMD-related conditions. For these reasons, this variant has been classified as Pathogenic.

Literature cited by the submitters: PubMed 16770791; PubMed 25007885.

NM_004006.3(DMD):c.4900dup (p.Val1634fs)

Gene: DMD (dystrophin; minus strand). Cytogenetic location: Xp21.1.
Variant type: Duplication.
Coding change: c.4900dup on transcript NM_004006.3 (MANE Select); coding-DNA position 4900, one base duplicated (G; older notation c.4900dupG).
Protein change: p.Val1634fs; shifts the reading frame from valine 1634.
Molecular consequence: frameshift variant.
Genome position (GRCh38, 1-based): chrX:32,365,145, C duplicated on the plus strand (G on the coding strand, the reverse complement: DMD is on the minus strand); the first of 2 consecutive C bases (chrX:32,365,145-32,365,146); duplicating either gives the same sequence. VCF-style (leftmost placement, unchanged base first): chrX-32365144-A-AC. GRCh37 (hg19) VCF-style: chrX-32383261-A-AC.
Other names: c.4876dup, p.Val1626fs (NM_000109.4); c.4888dup, p.Val1630fs (NM_004009.3); c.4531dup, p.Val1511fs (NM_004010.3); c.877dup, p.Val293fs (NM_004011.4); c.868dup, p.Val290fs (NM_004012.4); short protein forms V1634fs, V1626fs, V1630fs, V290fs, V293fs, V1511fs.
Identifiers: ClinVar variation 3676482 (VCV003676482.2).
Genomic context (GRCh38, chrX:32,365,144, plus strand): 5'-CTGAGTTTATCTTCCACCAACGTCTCCTTCTTGCCCAAAACTGTTTTCAAGGCCTCTCCT[A>AC]CCTCTGTGATACTCTTCAGGTGCACCTTCTGTTTCTCAATCTCTTTTTGAGTAGCCTGTG-3'